The following is an entry in ClinVar:

ClinVar aggregate classification (germline): Uncertain significance (1 of 4 stars; one submission).

Submission:

Labcorp Genetics (formerly Invitae), Labcorp
Classification: Uncertain significance. Last evaluated: 2025-01-02. Review status: criteria provided, single submitter. Criteria: Invitae Variant Classification Sherloc (09022015). Collection method: clinical testing. Allele origin: germline.
Comment: This sequence change replaces serine, which is neutral and polar, with glycine, which is neutral and non-polar, at codon 613 of the CACNA1G protein (p.Ser613Gly). This variant is not present in population databases (gnomAD no frequency). This variant has not been reported in the literature in individuals affected with CACNA1G-related conditions. Invitae Evidence Modeling of protein sequence and biophysical properties (such as structural, functional, and spatial information, amino acid conservation, physicochemical variation, residue mobility, and thermodynamic stability) indicates that this missense variant is not expected to disrupt CACNA1G protein function with a negative predictive value of 95%. In summary, the available evidence is currently insufficient to determine the role of this variant in disease. Therefore, it has been classified as a Variant of Uncertain Significance.

NM_018896.5(CACNA1G):c.1837A>G (p.Ser613Gly)

Gene: CACNA1G (calcium voltage-gated channel subunit alpha1 G; plus strand). Cytogenetic location: 17q21.33.
Variant type: single nucleotide variant.
Coding change: c.1837A>G on transcript NM_018896.5 (MANE Select); coding-DNA position 1837, A replaced by G.
Protein change: p.Ser613Gly; replaces serine 613 with glycine.
Molecular consequence: missense variant. On other transcripts: non-coding transcript variant (5).
Genome position (GRCh38, 1-based): chr17:50,576,239, A>G. VCF-style: chr17-50576239-A-G. GRCh37 (hg19) VCF-style: chr17-48653600-A-G.
Other names: c.1837A>G, p.Ser613Gly (NM_001256324.2, NM_001256325.2, NM_001256326.2 and 24 more transcripts); short protein forms S613G.
Identifiers: ClinVar variation 3690257 (VCV003690257.2).